The following is an entry in ClinVar:

NM_030632.3(ASXL3):c.5173G>A (p.Asp1725Asn)

Gene: ASXL3 (ASXL transcriptional regulator 3; plus strand). Cytogenetic location: 18q12.1.
Variant type: single nucleotide variant.
Coding change: c.5173G>A on transcript NM_030632.3 (MANE Select); coding-DNA position 5173, G replaced by A.
Protein change: p.Asp1725Asn; replaces aspartic acid 1725 with asparagine.
Molecular consequence: missense variant.
Genome position (GRCh38, 1-based): chr18:33,745,021, G>A. VCF-style: chr18-33745021-G-A. GRCh37 (hg19) VCF-style: chr18-31324985-G-A.
Other names: c.5173G>A (NM_030632.2); short protein forms D1725N.
Identifiers: ClinVar variation 434424 (VCV000434424.14), dbSNP rs201072457, ClinGen allele CA8934390.

ClinVar aggregate classification (germline): Benign/Likely benign. Review status: criteria provided, multiple submitters, no conflicts (2 of 4 stars). 5 submissions from 5 submitters: Benign (2); Likely benign (2). 1 of the submissions does not count toward it. Last evaluated 2024-06-07.

Conditions:
Inborn genetic diseases. Identifiers: MedGen C0950123, MeSH D030342.
ASXL3-related disorder. Also called: ASXL3-related condition. Identifiers: MedGen CN381524.
Bainbridge-Ropers syndrome. Also called: Severe feeding difficulties-failure to thrive-microcephaly due to ASXL3 deficiency syndrome. Identifiers: Orphanet 352577, MedGen C4750837, MONDO:0014205, OMIM 615485.

Allele frequency attached by ClinVar (database versions not stated): TOPMed 0.00010; ExAC 0.00023; gnomAD 0.00012 and 0.00009; gnomAD exomes 0.00015 and 0.00020; ESP Exome Variant Server 0.00016.
gnomAD v4.1: 256 of 1,613,986 alleles (0.016%); highest among the groups gnomAD compares: Middle Eastern, 0.3%; 2 homozygotes.

Submissions (5):

Ambry Genetics
Classification: Likely benign for Inborn genetic diseases. Last evaluated: 2024-06-07. Review status: criteria provided, single submitter. Criteria: Ambry Variant Classification Scheme 2023. Collection method: clinical testing. Allele origin: germline.

Genome-Nilou Lab
Classification: Benign for Bainbridge-Ropers syndrome. Last evaluated: 2021-12-05. Review status: criteria provided, single submitter. Criteria: ACMG Guidelines, 2015. Collection method: clinical testing. Allele origin: germline. Affected: no.

GeneDx
Classification: Likely benign. Last evaluated: 2020-09-02. Review status: criteria provided, single submitter. Criteria: GeneDx Variant Classification Process June 2021. Collection method: clinical testing. Allele origin: germline. Affected: yes.

Genetic Services Laboratory, University of Chicago
Classification: Benign. Last evaluated: 2019-03-21. Review status: criteria provided, single submitter. Criteria: ACMG Guidelines, 2015. Collection method: clinical testing. Allele origin: germline. Affected: no.

PreventionGenetics, part of Exact Sciences
Classification: Likely benign for ASXL3-related condition. Last evaluated: 2023-06-22. Review status: no assertion criteria provided. Collection method: clinical testing. Allele origin: germline. Not counted in ClinVar's aggregate classification.
Comment: This variant is classified as likely benign based on ACMG/AMP sequence variant interpretation guidelines (Richards et al. 2015 PMID: 25741868, with internal and published modifications).